The following is an entry in ClinVar:

NM_006118.4(HAX1):c.339G>C (p.Glu113Asp)

Gene: HAX1 (HCLS1 associated protein X-1; plus strand). Cytogenetic location: 1q21.3.
Variant type: single nucleotide variant.
Coding change: c.339G>C on transcript NM_006118.4 (MANE Select); coding-DNA position 339, G replaced by C.
Protein change: p.Glu113Asp; replaces glutamic acid 113 with aspartic acid.
Molecular consequence: missense variant.
Genome position (GRCh38, 1-based): chr1:154,273,796, G>C. VCF-style: chr1-154273796-G-C. GRCh37 (hg19) VCF-style: chr1-154246272-G-C.
Other names: c.195G>C, p.Glu65Asp (NM_001018837.2); short protein forms E113D, E65D.
Identifiers: ClinVar variation 662545 (VCV000662545.10), dbSNP rs367673863, ClinGen allele CA1127330.
Genomic context (GRCh38, chr1:154,273,796, plus strand): 5'-CTTTCCCATCCCAGCAAACACCTGCCACCTTTCTGCAGAACTTCCAGGTCCTGAGTCAGA[G>C]ACACCTGGTGAGAGACTACGGGAGGGACAGACACTTCGGGACTCAATGCTTAAGTATCCA-3'
Protein context (NP_006109.2, residues 103-123): HPPELPGPES[Glu113Asp]TPGERLREGQ

ClinVar aggregate classification (germline): Uncertain significance. Review status: criteria provided, multiple submitters, no conflicts (2 of 4 stars). 3 submissions from 3 submitters: Uncertain significance (2). 1 of the submissions does not count toward it. Last evaluated 2025-02-21.

Conditions:
Inborn genetic diseases. Identifiers: MedGen C0950123, MeSH D030342.
Kostmann syndrome (SCN3). Also called: Autosomal recessive severe congenital neutropenia type 3; KOSTMANN DISEASE. Identifiers: Orphanet 99749, MedGen C5235141, MONDO:0012548, OMIM 610738.

Allele frequency attached by ClinVar (database versions not stated): gnomAD exomes 0.00001; ExAC 0.00002; gnomAD 0.00003 and 0.00004; TOPMed 0.00006; ESP Exome Variant Server 0.00015.
gnomAD v4.1: 10 of 1,614,048 alleles (0.00062%); highest among the groups gnomAD compares: African/African-American, 0.011%; no homozygotes.

Submissions (3):

Ambry Genetics
Classification: Uncertain significance for Inborn genetic diseases. Last evaluated: 2025-02-21. Review status: criteria provided, single submitter. Criteria: Ambry Variant Classification Scheme 2023. Collection method: clinical testing. Allele origin: germline.

Labcorp Genetics (formerly Invitae), Labcorp
Classification: Uncertain significance for Kostmann syndrome. Last evaluated: 2024-11-05. Review status: criteria provided, single submitter. Criteria: Invitae Variant Classification Sherloc (09022015). Collection method: clinical testing. Allele origin: germline.
Comment: This sequence change replaces glutamic acid, which is acidic and polar, with aspartic acid, which is acidic and polar, at codon 113 of the HAX1 protein (p.Glu113Asp). This variant is present in population databases (rs367673863, gnomAD 0.01%). This variant has not been reported in the literature in individuals affected with HAX1-related conditions. ClinVar contains an entry for this variant (Variation ID: 662545). Invitae Evidence Modeling of protein sequence and biophysical properties (such as structural, functional, and spatial information, amino acid conservation, physicochemical variation, residue mobility, and thermodynamic stability) indicates that this missense variant is not expected to disrupt HAX1 protein function with a negative predictive value of 80%. In summary, the available evidence is currently insufficient to determine the role of this variant in disease. Therefore, it has been classified as a Variant of Uncertain Significance.

Natera, Inc.
Classification: Uncertain significance for Autosomal recessive severe congenital neutropenia type 3. Last evaluated: 2020-03-25. Review status: no assertion criteria provided. Collection method: clinical testing. Allele origin: germline. Not counted in ClinVar's aggregate classification.